The following is an entry in ClinVar:

NM_012452.3(TNFRSF13B):c.568G>C (p.Gly190Arg)

Gene: TNFRSF13B (TNF receptor superfamily member 13B; minus strand). Cytogenetic location: 17p11.2.
Variant type: single nucleotide variant.
Coding change: c.568G>C on transcript NM_012452.3 (MANE Select); coding-DNA position 568, G replaced by C.
Protein change: p.Gly190Arg; replaces glycine 190 with arginine.
Molecular consequence: missense variant.
Genome position (GRCh38, 1-based): chr17:16,940,389, C>G on the plus strand (G>C on the coding strand, the complement: TNFRSF13B is on the minus strand). VCF-style: chr17-16940389-C-G. GRCh37 (hg19) VCF-style: chr17-16843703-C-G.
Other names: short protein forms G190R.
Identifiers: ClinVar variation 636586 (VCV000636586.13), dbSNP rs150101848, ClinGen allele CA8413944.

ClinVar aggregate classification (germline): Conflicting classifications of pathogenicity. Review status: criteria provided, conflicting classifications (1 of 4 stars). 3 submissions from 3 submitters: Uncertain significance (1); Likely benign (2). Last evaluated 2026-01-18.

Conditions:
Immunodeficiency, common variable, 2 (CVID2). Also called: ANTIBODY DEFICIENCY DUE TO TACI DEFECT; HYPOGAMMAGLOBULINEMIA DUE TO TACI DEFICIENCY. Identifiers: Orphanet 1572, MedGen C3150354, MONDO:0009413, OMIM 240500.

Allele frequency attached by ClinVar (database versions not stated): 1000 Genomes Project 0.00080; gnomAD 0.00083; TOPMed 0.00086; 1000 Genomes Project 30x 0.00109; ESP Exome Variant Server 0.00146.
gnomAD v4.1: 298 of 1,614,064 alleles (0.018%); highest among the groups gnomAD compares: African/African-American, 0.37%; 2 homozygotes.

Submissions (3):

Labcorp Genetics (formerly Invitae), Labcorp
Classification: Likely benign for Immunodeficiency, common variable, 2. Last evaluated: 2026-01-18. Review status: criteria provided, single submitter. Criteria: Invitae Variant Classification Sherloc (09022015). Collection method: clinical testing. Allele origin: germline.

Blueprint Genetics
Classification: Uncertain significance. Last evaluated: 2024-08-15. Review status: criteria provided, single submitter. Criteria: ACMG Guidelines, 2015. Collection method: clinical testing. Allele origin: germline.

Women's Health and Genetics/Laboratory Corporation of America, LabCorp
Classification: Likely benign. Last evaluated: 2020-06-11. Review status: criteria provided, single submitter. Criteria: LabCorp Variant Classification Summary - May 2015. Collection method: clinical testing. Allele origin: germline.
Comment: Variant summary: TNFRSF13B c.568G>C (p.Gly190Arg) results in a non-conservative amino acid change in the encoded protein sequence. Three of five in-silico tools predict a damaging effect of the variant on protein function. The variant allele was found at a frequency of 0.00026 in 250678 control chromosomes in the gnomAD database, including 1 homozygotes. The observed variant frequency is approximately 92.15 fold of the estimated maximal expected allele frequency for a pathogenic variant in TNFRSF13B causing Common Variable Immunodeficiency phenotype (2.9e-06), strongly suggesting that the variant is benign. To our knowledge, no occurrence of c.568G>C in individuals affected with Common Variable Immunodeficiency and no experimental evidence demonstrating its impact on protein function have been reported. Two clinical diagnostic laboratories have submitted clinical-significance assessments for this variant to ClinVar after 2014 without evidence for independent evaluation. One laboratory classified the variant as likely benign, and one laboratory classified the variant as uncertain significance. Based on the evidence outlined above, the variant was classified as likely benign.